The following is an entry in ClinVar:

NM_005458.8(GABBR2):c.68T>C (p.Leu23Pro)

Gene: GABBR2 (gamma-aminobutyric acid type B receptor subunit 2; minus strand). Cytogenetic location: 9q22.33.
Variant type: single nucleotide variant.
Coding change: c.68T>C on transcript NM_005458.8 (MANE Select); coding-DNA position 68, T replaced by C.
Protein change: p.Leu23Pro; replaces leucine 23 with proline.
Molecular consequence: missense variant.
Genome position (GRCh38, 1-based): chr9:98,708,670, A>G on the plus strand (T>C on the coding strand, the complement: GABBR2 is on the minus strand). VCF-style: chr9-98708670-A-G. GRCh37 (hg19) VCF-style: chr9-101470952-A-G.
Other names: short protein forms L23P.
Identifiers: ClinVar variation 843039 (VCV000843039.37), dbSNP rs933385444, ClinGen allele CA196789544.

ClinVar aggregate classification (germline): Conflicting classifications of pathogenicity. Review status: criteria provided, conflicting classifications (1 of 4 stars). 5 submissions from 5 submitters: Uncertain significance (1); Likely benign (4). Last evaluated 2025-10-13.

Conditions:
Developmental and epileptic encephalopathy, 59. Also called: Early infantile epileptic encephalopathy 59. Identifiers: MedGen C4693550, MONDO:0033368, OMIM 617904.
Epileptic encephalopathy. Identifiers: MedGen C0543888, HP:0200134.
Inborn genetic diseases. Identifiers: MedGen C0950123, MeSH D030342.

Allele frequency attached by ClinVar (database versions not stated): TOPMed 0.00009; gnomAD exomes 0.00011 and 0.00185; gnomAD 0.00012.
gnomAD v4.1: 126 of 1,177,138 alleles (0.011%); highest among the groups gnomAD compares: Non-Finnish European, 0.013%; no homozygotes.

Submissions (5):

Labcorp Genetics (formerly Invitae), Labcorp
Classification: Likely benign for Epileptic encephalopathy. Last evaluated: 2025-10-13. Review status: criteria provided, single submitter. Criteria: Invitae Variant Classification Sherloc (09022015). Collection method: clinical testing. Allele origin: germline.

CeGaT Center for Human Genetics Tuebingen
Classification: Likely benign. Last evaluated: 2024-12-01. Review status: criteria provided, single submitter. Criteria: CeGaT Center For Human Genetics Tuebingen Variant Classification Criteria Version 2. Collection method: clinical testing. Allele origin: germline. Affected: yes. Observed: 2 variant alleles.
Comment: GABBR2: PP2, BS2

Blueprint Genetics
Classification: Likely benign. Last evaluated: 2024-08-05. Review status: criteria provided, single submitter. Criteria: ACMG Guidelines, 2015. Collection method: clinical testing. Allele origin: germline.

Ambry Genetics
Classification: Uncertain significance for Inborn genetic diseases. Last evaluated: 2022-08-17. Review status: criteria provided, single submitter. Criteria: Ambry Variant Classification Scheme 2023. Collection method: clinical testing. Allele origin: germline.

Cytogénomique, Hospices Civils de Lyon
Classification: Likely benign for Developmental and epileptic encephalopathy, 59. Review status: criteria provided, single submitter. Criteria: ACMG Guidelines, 2015. Collection method: clinical testing. Allele origin: paternal. Inheritance: Autosomal dominant inheritance. Affected: yes.